The following is an entry in ClinVar:

NM_000038.6(APC):c.7085G>T (p.Gly2362Val)

Gene: APC (APC regulator of Wnt signaling pathway; plus strand). Cytogenetic location: 5q22.2.
Variant type: single nucleotide variant.
Coding change: c.7085G>T on transcript NM_000038.6 (MANE Select); coding-DNA position 7085, G replaced by T.
Protein change: p.Gly2362Val; replaces glycine 2362 with valine.
Molecular consequence: missense variant. On other transcripts: non-coding transcript variant (2).
Genome position (GRCh38, 1-based): chr5:112,842,679, G>T. VCF-style: chr5-112842679-G-T. GRCh37 (hg19) VCF-style: chr5-112178376-G-T.
Other names: c.6962G>T, p.Gly2321Val (NM_001354900.2); c.6908G>T, p.Gly2303Val (NM_001354901.2, NM_001407453.1); c.6707G>T, p.Gly2236Val (NM_001354904.2); c.6782G>T, p.Gly2261Val (NM_001354903.2, NM_001407458.1, NM_001407459.1 and 1 more transcripts); c.6605G>T, p.Gly2202Val (NM_001354905.2); c.6812G>T, p.Gly2271Val (NM_001354902.2); c.7085G>T, p.Gly2362Val (NM_001127510.3, NM_001354895.2, NM_001407450.1); c.7031G>T, p.Gly2344Val (NM_001127511.3); and 11 more; short protein forms G1978V, G2079V, G2202V, G2233V, G2236V, G2261V, G2271V, G2279V.
Identifiers: ClinVar variation 3231145 (VCV003231145.1), dbSNP rs756740976, ClinGen allele CA046822.

ClinVar aggregate classification (germline): Uncertain significance (1 of 4 stars; one submission).

Conditions:
Hereditary cancer-predisposing syndrome. Also called: Neoplastic Syndromes, Hereditary; Tumor predisposition; Hereditary neoplastic syndrome; Hereditary Cancer Syndrome. Identifiers: Orphanet 140162, MedGen C0027672, MeSH D009386, MONDO:0015356.

Allele frequency attached by ClinVar (database versions not stated): ExAC 0.00001.
gnomAD v4.1: 1 of 1,613,576 alleles (0.000062%); highest among the groups gnomAD compares: Admixed American, 0.0017%; no homozygotes.

Submission:

Ambry Genetics
Classification: Uncertain significance for Hereditary cancer-predisposing syndrome. Last evaluated: 2023-12-15. Review status: criteria provided, single submitter. Criteria: Ambry Variant Classification Scheme 2023. Collection method: clinical testing. Allele origin: germline.
Comment: The p.G2362V variant (also known as c.7085G>T), located in coding exon 15 of the APC gene, results from a G to T substitution at nucleotide position 7085. The glycine at codon 2362 is replaced by valine, an amino acid with dissimilar properties. This amino acid position is conserved. In addition, in silico predictors for this gene do not accurately predict pathogenicity. Since supporting evidence is limited at this time, the clinical significance of this alteration remains unclear.